The following is an entry in ClinVar:

NM_018127.7(ELAC2):c.422C>T (p.Pro141Leu)

Gene: ELAC2 (elaC ribonuclease Z 2; minus strand). Cytogenetic location: 17p12.
Variant type: single nucleotide variant.
Coding change: c.422C>T on transcript NM_018127.7 (MANE Select); coding-DNA position 422, C replaced by T.
Protein change: p.Pro141Leu; replaces proline 141 with leucine.
Molecular consequence: missense variant.
Genome position (GRCh38, 1-based): chr17:13,015,778, G>A on the plus strand (C>T on the coding strand, the complement: ELAC2 is on the minus strand). VCF-style: chr17-13015778-G-A. GRCh37 (hg19) VCF-style: chr17-12919095-G-A.
Other names: c.422C>T, p.Pro141Leu (NM_001165962.2, NM_173717.2); short protein forms P141L.
Identifiers: ClinVar variation 808236 (VCV000808236.46), dbSNP rs1598274263, ClinGen allele CA398218175.
Genomic context (GRCh38, chr17:13,015,778, plus strand): 5'-TATTACAAAAGGAAAGATTGCTTTTGAAAGATGTGTCAGGAAAGACTCACCAGTTGTGGA[G>A]GTCCAGAAAGTACACACTTTGGAAGCCCGGTTTCCTTTAAAGTAAGAATCATTCCTAAAA-3'
Protein context (NP_060597.4, residues 131-151): TGLPKCVLSG[Pro141Leu]PQLEKYLEAI

ClinVar aggregate classification (germline): Uncertain significance. Review status: criteria provided, multiple submitters, no conflicts (2 of 4 stars). 2 submissions from 2 submitters: Uncertain significance (2). Last evaluated 2022-11-15.

Conditions:
Combined oxidative phosphorylation defect type 17. Also called: Combined oxidative phosphorylation deficiency 17. Identifiers: Orphanet 369913, MedGen C3809526, MONDO:0014190, OMIM 615440.

Submissions (2):

Labcorp Genetics (formerly Invitae), Labcorp
Classification: Uncertain significance for Combined oxidative phosphorylation defect type 17. Last evaluated: 2022-11-15. Review status: criteria provided, single submitter. Criteria: Invitae Variant Classification Sherloc (09022015). Collection method: clinical testing. Allele origin: germline.
Comment: This sequence change replaces proline, which is neutral and non-polar, with leucine, which is neutral and non-polar, at codon 141 of the ELAC2 protein (p.Pro141Leu). In summary, the available evidence is currently insufficient to determine the role of this variant in disease. Therefore, it has been classified as a Variant of Uncertain Significance. Advanced modeling of protein sequence and biophysical properties (such as structural, functional, and spatial information, amino acid conservation, physicochemical variation, residue mobility, and thermodynamic stability) performed at Invitae indicates that this missense variant is expected to disrupt ELAC2 protein function. ClinVar contains an entry for this variant (Variation ID: 808236). This variant has not been reported in the literature in individuals affected with ELAC2-related conditions. This variant is not present in population databases (gnomAD no frequency).

CeGaT Center for Human Genetics Tuebingen
Classification: Uncertain significance. Last evaluated: 2019-03-01. Review status: criteria provided, single submitter. Criteria: CeGaT Center For Human Genetics Tuebingen Variant Classification Criteria Version 2. Collection method: clinical testing. Allele origin: germline. Affected: yes. Observed: 1 variant allele.